The following is an entry in ClinVar:

ClinVar aggregate classification (germline): Uncertain significance (1 of 4 stars; one submission).

Conditions:
Intellectual developmental disorder, X-linked, syndromic, Hedera type. Also called: Syndromic X-linked intellectual disability Hedera type. Identifiers: Orphanet 93952, MedGen C1845543, MONDO:0010319, OMIM 300423.

Allele frequency attached by ClinVar (database versions not stated): TOPMed below 0.00001; ExAC 0.00001; gnomAD exomes 0.00001; gnomAD 0.00002; ESP Exome Variant Server 0.00019.
gnomAD v4.1: 10 of 1,207,490 alleles (0.00083%); highest among the groups gnomAD compares: East Asian, 0.003%; no homozygotes.

Submission:

Labcorp Genetics (formerly Invitae), Labcorp
Classification: Uncertain significance for Intellectual developmental disorder, X-linked, syndromic, Hedera type. Last evaluated: 2023-02-06. Review status: criteria provided, single submitter. Criteria: Invitae Variant Classification Sherloc (09022015). Collection method: clinical testing. Allele origin: germline.
Comment: In summary, the available evidence is currently insufficient to determine the role of this variant in disease. Therefore, it has been classified as a Variant of Uncertain Significance. Advanced modeling of protein sequence and biophysical properties (such as structural, functional, and spatial information, amino acid conservation, physicochemical variation, residue mobility, and thermodynamic stability) performed at Invitae indicates that this missense variant is expected to disrupt ATP6AP2 protein function. This variant has not been reported in the literature in individuals affected with ATP6AP2-related conditions. This variant is present in population databases (rs140479982, gnomAD 0.004%). This sequence change replaces valine, which is neutral and non-polar, with methionine, which is neutral and non-polar, at codon 305 of the ATP6AP2 protein (p.Val305Met).

NM_005765.3(ATP6AP2):c.913G>A (p.Val305Met)

Gene: ATP6AP2 (ATPase H+ transporting accessory protein 2; plus strand). Cytogenetic location: Xp11.4.
Variant type: single nucleotide variant.
Coding change: c.913G>A on transcript NM_005765.3 (MANE Select); coding-DNA position 913, G replaced by A.
Protein change: p.Val305Met; replaces valine 305 with methionine.
Molecular consequence: missense variant.
Genome position (GRCh38, 1-based): chrX:40,605,615, G>A. VCF-style: chrX-40605615-G-A. GRCh37 (hg19) VCF-style: chrX-40464867-G-A.
Other names: short protein forms V305M.
Identifiers: ClinVar variation 2742289 (VCV002742289.3), dbSNP rs140479982, ClinGen allele CA10387304.